The following is an entry in ClinVar:

ClinVar aggregate classification (germline): Uncertain significance (1 of 4 stars; one submission).

Submission:

GeneDx
Classification: Uncertain significance. Last evaluated: 2024-03-05. Review status: criteria provided, single submitter. Criteria: GeneDx Variant Classification Process June 2021. Collection method: clinical testing. Allele origin: germline. Affected: yes.
Comment: Not observed at significant frequency in large population cohorts (gnomAD); In silico analysis supports that this missense variant has a deleterious effect on protein structure/function; Has not been previously published as pathogenic or benign to our knowledge

NM_001448.3(GPC4):c.1223G>A (p.Cys408Tyr)

Gene: GPC4 (glypican 4; minus strand). Cytogenetic location: Xq26.2.
Variant type: single nucleotide variant.
Coding change: c.1223G>A on transcript NM_001448.3 (MANE Select); coding-DNA position 1223, G replaced by A.
Protein change: p.Cys408Tyr; replaces cysteine 408 with tyrosine.
Molecular consequence: missense variant.
Genome position (GRCh38, 1-based): chrX:133,304,794, C>T on the plus strand (G>A on the coding strand, the complement: GPC4 is on the minus strand). VCF-style: chrX-133304794-C-T. GRCh37 (hg19) VCF-style: chrX-132438822-C-T.
Other names: short protein forms C408Y.
Identifiers: ClinVar variation 3373493 (VCV003373493.1).